The following is an entry in ClinVar:

ClinVar aggregate classification (germline): Uncertain significance (1 of 4 stars; one submission).

Conditions:
Oligodontia-cancer predisposition syndrome. Also called: TOOTH AGENESIS-COLORECTAL CANCER SYNDROME. Identifiers: Orphanet 300576, MedGen C1837750, MONDO:0012075, OMIM 608615. Disease mechanism: loss of function.

Submission:

Labcorp Genetics (formerly Invitae), Labcorp
Classification: Uncertain significance for Oligodontia-cancer predisposition syndrome. Last evaluated: 2023-02-09. Review status: criteria provided, single submitter. Criteria: Invitae Variant Classification Sherloc (09022015). Collection method: clinical testing. Allele origin: germline.
Comment: This variant has not been reported in the literature in individuals affected with AXIN2-related conditions. In summary, the available evidence is currently insufficient to determine the role of this variant in disease. Therefore, it has been classified as a Variant of Uncertain Significance. Advanced modeling of protein sequence and biophysical properties (such as structural, functional, and spatial information, amino acid conservation, physicochemical variation, residue mobility, and thermodynamic stability) performed at Invitae indicates that this missense variant is expected to disrupt AXIN2 protein function. This variant is not present in population databases (gnomAD no frequency). This sequence change replaces leucine, which is neutral and non-polar, with methionine, which is neutral and non-polar, at codon 75 of the AXIN2 protein (p.Leu75Met).

NM_004655.4(AXIN2):c.223C>A (p.Leu75Met)

Gene: AXIN2 (axin 2; minus strand). Cytogenetic location: 17q24.1.
Variant type: single nucleotide variant.
Coding change: c.223C>A on transcript NM_004655.4 (MANE Select); coding-DNA position 223, C replaced by A.
Protein change: p.Leu75Met; replaces leucine 75 with methionine.
Molecular consequence: missense variant.
Genome position (GRCh38, 1-based): chr17:65,558,398, G>T on the plus strand (C>A on the coding strand, the complement: AXIN2 is on the minus strand). VCF-style: chr17-65558398-G-T. GRCh37 (hg19) VCF-style: chr17-63554516-G-T.
Other names: c.223C>A, p.Leu75Met (NM_001363813.1); short protein forms L75M.
Identifiers: ClinVar variation 2835879 (VCV002835879.3), dbSNP rs780394272, ClinGen allele CA400681867.